The following is an entry in ClinVar:

ClinVar aggregate classification (germline): Uncertain significance (1 of 4 stars; one submission).

Allele frequency attached by ClinVar (database versions not stated): TOPMed below 0.00001; gnomAD exomes 0.00001 and 0.00002; ExAC 0.00002.
gnomAD v4.1: 14 of 1,599,972 alleles (0.00088%); highest among the groups gnomAD compares: South Asian, 0.014%; no homozygotes.

Submission:

Labcorp Genetics (formerly Invitae), Labcorp
Classification: Uncertain significance. Last evaluated: 2022-11-01. Review status: criteria provided, single submitter. Criteria: Invitae Variant Classification Sherloc (09022015). Collection method: clinical testing. Allele origin: germline.
Comment: This variant has not been reported in the literature in individuals affected with SAMD11-related conditions. This variant is present in population databases (rs777598915, gnomAD 0.02%). This sequence change replaces histidine, which is basic and polar, with leucine, which is neutral and non-polar, at codon 235 of the SAMD11 protein (p.His235Leu). ClinVar contains an entry for this variant (Variation ID: 1394161). In summary, the available evidence is currently insufficient to determine the role of this variant in disease. Therefore, it has been classified as a Variant of Uncertain Significance. Algorithms developed to predict the effect of missense changes on protein structure and function (SIFT, PolyPhen-2, Align-GVGD) all suggest that this variant is likely to be tolerated.

NM_001385641.1(SAMD11):c.1195+46A>T

Gene: SAMD11 (sterile alpha motif domain containing 11; plus strand). Cytogenetic location: 1p36.33.
Variant type: single nucleotide variant.
Coding change: c.1195+46A>T on transcript NM_001385641.1 (MANE Select); 46 bases into the intron after coding-DNA position 1195, A replaced by T.
Molecular consequence: intron variant. On other transcripts: missense variant (1).
Genome position (GRCh38, 1-based): chr1:939,458, A>T. VCF-style: chr1-939458-A-T. GRCh37 (hg19) VCF-style: chr1-874838-A-T.
Other names: c.704A>T, p.His235Leu (NM_152486.4); c.1198+46A>T (NM_001385640.1); short protein forms H235L.
Identifiers: ClinVar variation 1394161 (VCV001394161.8), dbSNP rs777598915, ClinGen allele CA502748.